The following is an entry in ClinVar:

NM_004415.4(DSP):c.3729A>G (p.Ser1243=)

Gene: DSP (desmoplakin; plus strand). Cytogenetic location: 6p24.3.
Variant type: single nucleotide variant.
Coding change: c.3729A>G on transcript NM_004415.4 (MANE Select); coding-DNA position 3729, A replaced by G.
Protein change: p.Ser1243=; no amino-acid change (serine 1243 retained).
Molecular consequence: synonymous variant. On other transcripts: intron variant (1).
Genome position (GRCh38, 1-based): chr6:7,579,919, A>G. VCF-style: chr6-7579919-A-G. GRCh37 (hg19) VCF-style: chr6-7580152-A-G.
Other names: c.3729A>G (LRG_423t1); c.3729A>G, p.Ser1243= (NM_001319034.2); c.3582+147A>G (NM_001008844.3).
Identifiers: ClinVar variation 380731 (VCV000380731.18), dbSNP rs150241609, ClinGen allele CA038842.

ClinVar aggregate classification (germline): Likely benign. Review status: criteria provided, multiple submitters, no conflicts (2 of 4 stars). 9 submissions from 9 submitters: Likely benign (6). 3 of the submissions do not count toward it. Last evaluated 2026-08-08.

Conditions:
Cardiovascular phenotype. Identifiers: MedGen CN230736.
Cardiomyopathy (CMYO). Also called: Cardiomyopathies. Identifiers: Orphanet 167848, MedGen C0878544, MONDO:0004994, HP:0001638. Inheritance: Various modes of inheritance.
Arrhythmogenic cardiomyopathy with wooly hair and keratoderma. Also called: Carvajal syndrome; PALMOPLANTAR KERATODERMA WITH LEFT VENTRICULAR CARDIOMYOPATHY AND WOOLLY HAIR; Dilated cardiomyopathy with woolly hair and keratoderma; Arrhythmogenic cardiomyopathy with woolly hair and keratoderma. Identifiers: Orphanet 65282, MedGen C1854063, MONDO:0011581, OMIM 605676.
Arrhythmogenic right ventricular dysplasia 8 (ARVD8). Also called: Arrhythmogenic Right Ventricular Dysplasia/Cardiomyopathy 8; ARRHYTHMOGENIC RIGHT VENTRICULAR DYSPLASIA, FAMILIAL, 8; ARRHYTHMOGENIC RIGHT VENTRICULAR CARDIOMYOPATHY 8. Identifiers: MedGen C1843896, MONDO:0011831, OMIM 607450.

Allele frequency attached by ClinVar (database versions not stated): TOPMed 0.00001; gnomAD exomes 0.00002; ExAC 0.00002; ESP Exome Variant Server 0.00008; gnomAD 0.00002.
gnomAD v4.1: 16 of 1,614,040 alleles (0.00099%); highest among the groups gnomAD compares: Non-Finnish European, 0.0013%; no homozygotes.

Submissions (9):

Ambry Genetics
Classification: Likely benign for Cardiovascular phenotype. Last evaluated: 2026-08-08. Review status: criteria provided, single submitter. Criteria: Ambry Variant Classification Scheme 2023. Collection method: clinical testing. Allele origin: germline.

Labcorp Genetics (formerly Invitae), Labcorp
Classification: Likely benign for Arrhythmogenic cardiomyopathy with wooly hair and keratoderma; Arrhythmogenic right ventricular dysplasia 8. Last evaluated: 2025-09-27. Review status: criteria provided, single submitter. Criteria: Invitae Variant Classification Sherloc (09022015). Collection method: clinical testing. Allele origin: germline.

All of Us Research Program, National Institutes of Health
Classification: Likely benign for Arrhythmogenic cardiomyopathy with wooly hair and keratoderma. Last evaluated: 2023-09-17. Review status: criteria provided, single submitter. Criteria: ACMG Guidelines, 2015. Collection method: clinical testing. Allele origin: germline. Inheritance: Autosomal dominant inheritance. Observed: 1 variant allele, 1 heterozygote.
Comment: This study involves interpretation of variants in research participants for the purpose of population health screening. Participant phenotype was not available at the time of variant classification. Additional details can be found in publication PMID: 35346344, PMCID: PMC8962531

Blueprint Genetics
Classification: Likely benign. Last evaluated: 2021-09-04. Review status: criteria provided, single submitter. Criteria: ACMG Guidelines, 2015. Collection method: clinical testing. Allele origin: germline.

Color Diagnostics, LLC DBA Color Health
Classification: Likely benign for Cardiomyopathy. Last evaluated: 2020-01-28. Review status: criteria provided, single submitter. Criteria: ACMG Guidelines, 2015. Collection method: clinical testing. Allele origin: germline.

GeneDx
Classification: Likely benign. Last evaluated: 2015-10-26. Review status: criteria provided, single submitter. Criteria: GeneDx Variant Classification (06012015). Collection method: clinical testing. Allele origin: germline. Affected: yes.
Comment: This variant is considered likely benign or benign based on one or more of the following criteria: it is a conservative change, it occurs at a poorly conserved position in the protein, it is predicted to be benign by multiple in silico algorithms, and/or has population frequency not consistent with disease.

Clinical Genetics DNA and cytogenetics Diagnostics Lab, Erasmus MC, Erasmus Medical Center
Classification: Likely benign. Review status: no assertion criteria provided. Collection method: clinical testing. Allele origin: germline. Affected: yes. Study: VKGL Data-share Consensus. Not counted in ClinVar's aggregate classification.

Clinical Genetics, Academic Medical Center
Classification: Benign. Review status: no assertion criteria provided. Collection method: clinical testing. Allele origin: germline. Affected: yes. Study: VKGL Data-share Consensus. Not counted in ClinVar's aggregate classification.

Genome Diagnostics Laboratory, University Medical Center Utrecht
Classification: Likely benign. Review status: no assertion criteria provided. Collection method: clinical testing. Allele origin: germline. Affected: yes. Study: VKGL Data-share Consensus. Not counted in ClinVar's aggregate classification.